The following is an entry in ClinVar:

ClinVar aggregate classification (germline): Uncertain significance (1 of 4 stars; one submission).

Conditions:
Charcot-Marie-Tooth disease dominant intermediate B (CMTDIB). Also called: Charcot-Marie-Tooth disease dominant intermediate 1; CMT DI1; Charcot-Marie-Tooth disease dominant intermediate I; CHARCOT-MARIE-TOOTH NEUROPATHY, DOMINANT INTERMEDIATE B. Identifiers: Orphanet 100044, Orphanet 228179, MedGen C1847902, MONDO:0011674, OMIM 606482.

Submission:

Labcorp Genetics (formerly Invitae), Labcorp
Classification: Uncertain significance for Charcot-Marie-Tooth disease dominant intermediate B. Last evaluated: 2024-02-19. Review status: criteria provided, single submitter. Criteria: Invitae Variant Classification Sherloc (09022015). Collection method: clinical testing. Allele origin: germline.
Comment: This sequence change creates a premature translational stop signal (p.Gln72*) in the DNM2 gene. It is expected to result in an absent or disrupted protein product. However, the current clinical and genetic evidence is not sufficient to establish whether loss-of-function variants in DNM2 cause disease. This variant is not present in population databases (gnomAD no frequency). This variant has not been reported in the literature in individuals affected with DNM2-related conditions. In summary, the available evidence is currently insufficient to determine the role of this variant in disease. Therefore, it has been classified as a Variant of Uncertain Significance.

NM_001005361.3(DNM2):c.214C>T (p.Gln72Ter)

Gene: DNM2 (dynamin 2; plus strand). Cytogenetic location: 19p13.2.
Variant type: single nucleotide variant.
Coding change: c.214C>T on transcript NM_001005361.3 (MANE Select); coding-DNA position 214, C replaced by T.
Protein change: p.Gln72Ter; replaces glutamine 72 with a stop codon.
Molecular consequence: nonsense.
Genome position (GRCh38, 1-based): chr19:10,759,790, C>T. VCF-style: chr19-10759790-C-T. GRCh37 (hg19) VCF-style: chr19-10870466-C-T.
Other names: c.214C>T, p.Gln72Ter (NM_001005360.3, NM_001005362.3, NM_001190716.2 and 1 more transcripts); short protein forms Q72*.
Identifiers: ClinVar variation 3683058 (VCV003683058.2).